The following is an entry in ClinVar:

NM_000027.4(AGA):c.705A>C (p.Val235=)

Gene: AGA (aspartylglucosaminidase; minus strand). Cytogenetic location: 4q34.3.
Variant type: single nucleotide variant.
Coding change: c.705A>C on transcript NM_000027.4 (MANE Select); coding-DNA position 705, A replaced by C.
Protein change: p.Val235=; no amino-acid change (valine 235 retained).
Molecular consequence: synonymous variant. On other transcripts: non-coding transcript variant (1), splice acceptor variant (1).
Genome position (GRCh38, 1-based): chr4:177,434,483, T>G on the plus strand (A>C on the coding strand, the complement: AGA is on the minus strand). VCF-style: chr4-177434483-T-G. GRCh37 (hg19) VCF-style: chr4-178355637-T-G.
Other names: c.677-2A>C (NM_001171988.2).
Identifiers: ClinVar variation 2114710 (VCV002114710.4), dbSNP rs150175428, ClinGen allele CA358782351.
Genomic context (GRCh38, chr4:177,434,483, plus strand): 5'-TGCGGCTGCCCCTGCAGTATCGTCAGCATAGGCTCCAGCTCCAGGTATTGGTGAGTCTCC[T>G]ACACGGCTTTGAGAGGGTATTAACAATTTACGGCAGGAAATCGAGTGTAAAACACATTAA-3'
Protein context (NP_000018.2, residues 225-245): NGIKFKIHGR[Val235=]GDSPIPGAGA

ClinVar aggregate classification (germline): Uncertain significance (1 of 4 stars; one submission).

Conditions:
Aspartylglucosaminuria (AGU). Also called: AGA DEFICIENCY; GLYCOASPARAGINASE; GLYCOSYLASPARAGINASE DEFICIENCY; Aspartylglucos-aminuria; Aspartylglucos-amidase (AGA) deficiency. Identifiers: Orphanet 93, MedGen C0268225, MONDO:0008830, OMIM 208400, HP:0012068.

Submission:

Labcorp Genetics (formerly Invitae), Labcorp
Classification: Uncertain significance for Aspartylglucosaminuria. Last evaluated: 2022-03-19. Review status: criteria provided, single submitter. Criteria: Invitae Variant Classification Sherloc (09022015). Collection method: clinical testing. Allele origin: germline.
Comment: Algorithms developed to predict the effect of sequence changes on RNA splicing suggest that this variant may disrupt the consensus splice site. In summary, the available evidence is currently insufficient to determine the role of this variant in disease. Therefore, it has been classified as a Variant of Uncertain Significance. This variant has not been reported in the literature in individuals affected with AGA-related conditions. This variant is not present in population databases (gnomAD no frequency). This sequence change affects codon 235 of the AGA mRNA. It is a 'silent' change, meaning that it does not change the encoded amino acid sequence of the AGA protein.